The following is an entry in ClinVar:

ClinVar aggregate classification (germline): Uncertain significance (1 of 4 stars; one submission).

Conditions:
Catecholaminergic polymorphic ventricular tachycardia 1. Also called: VENTRICULAR TACHYCARDIA, CATECHOLAMINERGIC POLYMORPHIC, 1, WITH OR WITHOUT ATRIAL DYSFUNCTION AND/OR DILATED CARDIOMYOPATHY; RYR2-Related Catecholaminergic Polymorphic Ventricular Tachycardia; VENTRICULAR TACHYCARDIA, STRESS-INDUCED POLYMORPHIC 1. Identifiers: Orphanet 3286, MedGen C1631597, MONDO:0011484, OMIM 604772.

Submission:

Labcorp Genetics (formerly Invitae), Labcorp
Classification: Uncertain significance for Catecholaminergic polymorphic ventricular tachycardia 1. Last evaluated: 2020-07-08. Review status: criteria provided, single submitter. Criteria: Invitae Variant Classification Sherloc (09022015). Collection method: clinical testing. Allele origin: germline.
Comment: This variant is an in-frame deletion of the genomic region encompassing exon(s) 4-34 of the RYR2 gene. It preserves the integrity of the reading frame. This variant has not been reported in the literature in individuals with RYR2-related conditions. Experimental studies and prediction algorithms are not available or were not evaluated, and the functional significance of this variant is currently unknown. In summary, the available evidence is currently insufficient to determine the role of this variant in disease. Therefore, it has been classified as a Variant of Uncertain Significance.

NC_000001.10:g.(?_237519255)_(237758967_?)del

Gene: RYR2 (ryanodine receptor 2; plus strand). Cytogenetic location: 1q43.
Variant type: Deletion.
Identifiers: ClinVar variation 1060962 (VCV001060962.6).